The following is an entry in ClinVar:

NM_001923.5(DDB1):c.1672A>T (p.Ile558Phe)

Gene: DDB1 (damage specific DNA binding protein 1; minus strand). Cytogenetic location: 11q12.2.
Variant type: single nucleotide variant.
Coding change: c.1672A>T on transcript NM_001923.5 (MANE Select); coding-DNA position 1672, A replaced by T.
Protein change: p.Ile558Phe; replaces isoleucine 558 with phenylalanine.
Molecular consequence: missense variant.
Genome position (GRCh38, 1-based): chr11:61,314,128, T>A on the plus strand (A>T on the coding strand, the complement: DDB1 is on the minus strand). VCF-style: chr11-61314128-T-A. GRCh37 (hg19) VCF-style: chr11-61081600-T-A.
Other names: short protein forms I558F.
Identifiers: ClinVar variation 2234913 (VCV002234913.3), dbSNP rs1468435299, ClinGen allele CA380662926.
Genomic context (GRCh38, chr11:61,314,128, plus strand): 5'-GCAGTAGTTCAAAAGAGGGCAACTTCAAGATACGAGCCGAGATGTCCGTCCAGAGGCCAA[T>A]GGCACAAAGAGGGGACAGTCCATTGCTGTCTCCTAATGGGGTGATGTCCAAGCAAGCCAC-3'
Protein context (NP_001914.3, residues 548-568): DSNGLSPLCA[Ile558Phe]GLWTDISARI

ClinVar aggregate classification (germline): Uncertain significance. Review status: criteria provided, multiple submitters, no conflicts (2 of 4 stars). 2 submissions from 2 submitters: Uncertain significance (2). Last evaluated 2025-07-07.

Conditions:
White-Kernohan syndrome. Also called: GLOBAL DEVELOPMENTAL DELAY, HYPOTONIA, AND CHARACTERISTIC FACIAL FEATURES. Identifiers: MedGen C5543635, MONDO:0859169, OMIM 619426.

Submissions (2):

3billion
Classification: Uncertain significance for White-Kernohan syndrome. Last evaluated: 2025-07-07. Review status: criteria provided, single submitter. Criteria: ACMG Guidelines, 2015. Collection method: clinical testing. Allele origin: germline. Affected: yes.
Comment: The variant is not observed in the gnomAD v4.1.0 dataset. Predicted Consequence/Location: Missense variant. Missense changes are a common disease-causing mechanism. The variant has been reported as of uncertain significance (ClinVar ID: VCV002234913). Therefore, this variant is classified as VUS according to the recommendation of ACMG/AMP guideline.

Ambry Genetics
Classification: Uncertain significance. Last evaluated: 2021-07-06. Review status: criteria provided, single submitter. Criteria: Ambry Variant Classification Scheme 2023. Collection method: clinical testing. Allele origin: germline.